The following is an entry in ClinVar:

NM_144670.6(A2ML1):c.376A>G (p.Thr126Ala)

Genes: A2ML1 (alpha-2-macroglobulin like 1; plus strand), A2ML1-AS1 (A2ML1 antisense RNA 1; minus strand). Cytogenetic location: 12p13.31.
Variant type: single nucleotide variant.
Coding change: c.376A>G on transcript NM_144670.6 (MANE Select); coding-DNA position 376, A replaced by G.
Protein change: p.Thr126Ala; replaces threonine 126 with alanine.
Molecular consequence: missense variant.
Genome position (GRCh38, 1-based): chr12:8,823,849, A>G. VCF-style: chr12-8823849-A-G. GRCh37 (hg19) VCF-style: chr12-8976445-A-G.
Other names: short protein forms T126A.
Identifiers: ClinVar variation 2449327 (VCV002449327.3), dbSNP rs1942832310, ClinGen allele CA383819347.
Genomic context (GRCh38, chr12:8,823,849, plus strand): 5'-AGCTTTGAGGAGAAGAAAAAGGTTCTAATTCAGAGGCAGGGGAACGGCACCTTTGTACAG[A>G]CTGACAAACCTCTCTACACCCCAGGGCAGCAAGGTAAGAGTCACATATTTGGGGTTCGAC-3'
Protein context (NP_653271.3, residues 116-136): QRQGNGTFVQ[Thr126Ala]DKPLYTPGQQ

ClinVar aggregate classification (germline): Uncertain significance. Review status: criteria provided, multiple submitters, no conflicts (2 of 4 stars). 2 submissions from 2 submitters: Uncertain significance (2). Last evaluated 2025-03-18.

Allele frequency attached by ClinVar (database versions not stated): gnomAD exomes below 0.00001; TOPMed below 0.00001.
gnomAD v4.1: 1 of 1,613,640 alleles (0.000062%); highest among the groups gnomAD compares: Admixed American, 0.0017%; no homozygotes.

Submissions (2):

Labcorp Genetics (formerly Invitae), Labcorp
Classification: Uncertain significance. Last evaluated: 2025-03-18. Review status: criteria provided, single submitter. Criteria: Invitae Variant Classification Sherloc (09022015). Collection method: clinical testing. Allele origin: germline.
Comment: This sequence change replaces threonine, which is neutral and polar, with alanine, which is neutral and non-polar, at codon 126 of the A2ML1 protein (p.Thr126Ala). This variant is not present in population databases (gnomAD no frequency). This variant has not been reported in the literature in individuals affected with A2ML1-related conditions. ClinVar contains an entry for this variant (Variation ID: 2449327). An algorithm developed to predict the effect of missense changes on protein structure and function (PolyPhen-2) suggests that this variant is likely to be disruptive. In summary, the available evidence is currently insufficient to determine the role of this variant in disease. Therefore, it has been classified as a Variant of Uncertain Significance.

Ambry Genetics
Classification: Uncertain significance. Last evaluated: 2022-11-27. Review status: criteria provided, single submitter. Criteria: Ambry Variant Classification Scheme 2023. Collection method: clinical testing. Allele origin: germline.
Comment: The p.T126A variant (also known as c.376A>G), located in coding exon 3 of the A2ML1 gene, results from an A to G substitution at nucleotide position 376. The threonine at codon 126 is replaced by alanine, an amino acid with similar properties. This amino acid position is conserved. In addition, the in silico prediction for this alteration is inconclusive. Since supporting evidence is limited at this time, the clinical significance of this alteration remains unclear.